The following is an entry in ClinVar:

NM_001329943.3(KIAA0586):c.1045G>A (p.Val349Ile)

Gene: KIAA0586 (KIAA0586; plus strand). Cytogenetic location: 14q23.1.
Variant type: single nucleotide variant.
Coding change: c.1045G>A on transcript NM_001329943.3 (MANE Select); coding-DNA position 1045, G replaced by A.
Protein change: p.Val349Ile; replaces valine 349 with isoleucine.
Molecular consequence: missense variant.
Genome position (GRCh38, 1-based): chr14:58,450,662, G>A. VCF-style: chr14-58450662-G-A. GRCh37 (hg19) VCF-style: chr14-58917380-G-A.
Other names: c.1204G>A, p.Val402Ile (NM_001244189.2); c.1000G>A, p.Val334Ile (NM_001244190.2); c.790G>A, p.Val264Ile (NM_001244191.2, NM_001329945.2, NM_001364700.1 and 1 more transcripts); c.913G>A, p.Val305Ile (NM_001244192.2); c.625G>A, p.Val209Ile (NM_001244193.2); c.1045G>A, p.Val349Ile (NM_001329944.2, NM_001329946.2, NM_001329947.2 and 1 more transcripts); c.1045G>A (NM_014749.3); short protein forms V349I, V402I, V209I, V305I, V264I, V334I.
Identifiers: ClinVar variation 475436 (VCV000475436.8), dbSNP rs771000156, ClinGen allele CA7205542.

ClinVar aggregate classification (germline): Conflicting classifications of pathogenicity. Review status: criteria provided, conflicting classifications (1 of 4 stars). 2 submissions from 2 submitters: Uncertain significance (1); Likely benign (1). Last evaluated 2023-09-25.

Conditions:
Joubert syndrome 23 (JBTS23). Identifiers: Orphanet 475, MedGen C4084822, MONDO:0014664, OMIM 616490.
Short-rib thoracic dysplasia 14 with polydactyly (SRTD14). Identifiers: Orphanet 397715, MedGen C4225286, MONDO:0014688, OMIM 616546.
Inborn genetic diseases. Identifiers: MedGen C0950123, MeSH D030342.

Allele frequency attached by ClinVar (database versions not stated): gnomAD 0.00001; TOPMed 0.00001; ExAC 0.00008; gnomAD exomes 0.00008.
gnomAD v4.1: 22 of 1,609,800 alleles (0.0014%); highest among the groups gnomAD compares: East Asian, 0.04%; no homozygotes.

Submissions (2):

Ambry Genetics
Classification: Likely benign for Inborn genetic diseases. Last evaluated: 2023-09-25. Review status: criteria provided, single submitter. Criteria: Ambry Variant Classification Scheme 2023. Collection method: clinical testing. Allele origin: germline.

Labcorp Genetics (formerly Invitae), Labcorp
Classification: Uncertain significance for Joubert syndrome 23; Short-rib thoracic dysplasia 14 with polydactyly. Last evaluated: 2022-11-01. Review status: criteria provided, single submitter. Criteria: Invitae Variant Classification Sherloc (09022015). Collection method: clinical testing. Allele origin: germline.
Comment: ClinVar contains an entry for this variant (Variation ID: 475436). This variant has not been reported in the literature in individuals affected with KIAA0586-related conditions. This variant is present in population databases (rs771000156, gnomAD 0.1%). This sequence change replaces valine, which is neutral and non-polar, with isoleucine, which is neutral and non-polar, at codon 402 of the KIAA0586 protein (p.Val402Ile). In summary, the available evidence is currently insufficient to determine the role of this variant in disease. Therefore, it has been classified as a Variant of Uncertain Significance. Advanced modeling of protein sequence and biophysical properties (such as structural, functional, and spatial information, amino acid conservation, physicochemical variation, residue mobility, and thermodynamic stability) performed at Invitae indicates that this missense variant is not expected to disrupt KIAA0586 protein function.